The following is an entry in ClinVar:

ClinVar aggregate classification (germline): Pathogenic (1 of 4 stars; one submission).

Conditions:
Ellis-van Creveld syndrome (EVC). Also called: MESOECTODERMAL DYSPLASIA; Chondroectodermal dysplasia. Identifiers: Orphanet 289, MedGen C0013903, MONDO:0009162, OMIM 225500.

Submission:

Myriad Genetics, Inc.
Classification: Pathogenic for Ellis-van Creveld syndrome. Last evaluated: 2023-09-27. Review status: criteria provided, single submitter. Criteria: Myriad Autosomal Dominant, Autosomal Recessive and X-Linked Classification Criteria (2023). Collection method: clinical testing. Allele origin: unknown.
Comment: NM_153717.2(EVC):c.36dupG(R13Afs*60) is expected to be pathogenic in the context of EVC-related Ellis-van Creveld syndrome. This variant is predicted to lead to an abnormal or absent protein product due to the creation of a premature termination codon in EVC, a gene where loss-of-function variants are known to be pathogenic. Please note: this variant was assessed in the context of healthy population screening.

NM_153717.3(EVC):c.36dup (p.Arg13fs)

Gene: EVC (EvC ciliary complex subunit 1; plus strand). Cytogenetic location: 4p16.2.
Variant type: Duplication.
Coding change: c.36dup on transcript NM_153717.3 (MANE Select); coding-DNA position 36, one base duplicated (G; older notation c.36dupG).
Protein change: p.Arg13fs; shifts the reading frame from arginine 13.
Molecular consequence: frameshift variant.
Genome position (GRCh38, 1-based): chr4:5,711,416, G duplicated. VCF-style (leftmost placement, unchanged base first): chr4-5711415-C-CG. GRCh37 (hg19) VCF-style: chr4-5713142-C-CG.
Other names: c.36dup, p.Arg13fs (NM_001306090.2, NM_001306092.2); short protein forms R13fs.
Identifiers: ClinVar variation 5011941 (VCV005011941.1).